The following is an entry in ClinVar:

NM_000069.3(CACNA1S):c.2836G>C (p.Gly946Arg)

Gene: CACNA1S (calcium voltage-gated channel subunit alpha1 S; minus strand). Cytogenetic location: 1q32.1.
Variant type: single nucleotide variant.
Coding change: c.2836G>C on transcript NM_000069.3 (MANE Select); coding-DNA position 2836, G replaced by C.
Protein change: p.Gly946Arg; replaces glycine 946 with arginine.
Molecular consequence: missense variant.
Genome position (GRCh38, 1-based): chr1:201,065,855, C>G on the plus strand (G>C on the coding strand, the complement: CACNA1S is on the minus strand). VCF-style: chr1-201065855-C-G. GRCh37 (hg19) VCF-style: chr1-201034983-C-G.
Other names: short protein forms G946R.
Identifiers: ClinVar variation 2932522 (VCV002932522.3), dbSNP rs569324688, ClinGen allele CA344101256.
Genomic context (GRCh38, chr1:201,065,855, plus strand): 5'-CTGGGAGCGGGAGGGGGAGCTGCTCGCGCAGGCTGGGGCTCACCTTGAAGAGCTGGACGC[C>G]GATGCAGGCAAACATGAACTGTAGGAGGGTAGTGACCAGCACGATGTTCCCGATGGTGCT-3'
Protein context (NP_000060.2, residues 936-956): TLLQFMFACI[Gly946Arg]VQLFKGKFFR

ClinVar aggregate classification (germline): Uncertain significance (1 of 4 stars; one submission).

Conditions:
Malignant hyperthermia, susceptibility to, 5 (MHS5). Also called: CACNA1S-Related Malignant Hyperthermia Susceptibility. Identifiers: Orphanet 423, MedGen C1866077, MONDO:0011163, OMIM 601887.
Hypokalemic periodic paralysis, type 1. Also called: HypoPP; Hypokalemic Periodic Paralysis Type 1 (AD). Identifiers: Orphanet 681, MedGen C3714580, MONDO:0042979, OMIM 170400.

gnomAD v4.1: 1 of 1,613,880 alleles (0.000062%); highest among the groups gnomAD compares: Admixed American, 0.0017%; no homozygotes.

Submission:

Labcorp Genetics (formerly Invitae), Labcorp
Classification: Uncertain significance for Hypokalemic periodic paralysis, type 1; Malignant hyperthermia, susceptibility to, 5. Last evaluated: 2022-11-02. Review status: criteria provided, single submitter. Criteria: Invitae Variant Classification Sherloc (09022015). Collection method: clinical testing. Allele origin: germline.
Comment: This variant is not present in population databases (gnomAD no frequency). This variant has not been reported in the literature in individuals affected with CACNA1S-related conditions. Advanced modeling of protein sequence and biophysical properties (such as structural, functional, and spatial information, amino acid conservation, physicochemical variation, residue mobility, and thermodynamic stability) has been performed at Invitae for this missense variant, however the output from this modeling did not meet the statistical confidence thresholds required to predict the impact of this variant on CACNA1S protein function. In summary, the available evidence is currently insufficient to determine the role of this variant in disease. Therefore, it has been classified as a Variant of Uncertain Significance. This sequence change replaces glycine, which is neutral and non-polar, with arginine, which is basic and polar, at codon 946 of the CACNA1S protein (p.Gly946Arg).